The following is an entry in ClinVar:

ClinVar aggregate classification (germline): Benign. Review status: criteria provided, multiple submitters, no conflicts (2 of 4 stars). 11 submissions from 9 submitters: Benign (8). 3 of the submissions do not count toward it. Last evaluated 2026-02-04.

Conditions:
Mitochondrial dna depletion syndrome 16B (neuroophthalmic type). Identifiers: MedGen C5543632, MONDO:0030326, OMIM 619425.
Mitochondrial DNA depletion syndrome 16 (hepatic type). Identifiers: MedGen C5193142, MONDO:0032799, OMIM 618528.
Progressive external ophthalmoplegia with mitochondrial DNA deletions, autosomal dominant 4. Also called: PROGRESSIVE EXTERNAL OPHTHALMOPLEGIA, AUTOSOMAL DOMINANT 4. Identifiers: MedGen C1864668, MONDO:0012415, OMIM 610131.

Allele frequency attached by ClinVar (database versions not stated): 1000 Genomes Project 30x 0.30575; ExAC 0.15784; gnomAD 0.28041 and 0.29359; 1000 Genomes Project 0.28954; ESP Exome Variant Server 0.29602; TOPMed 0.30544.
gnomAD v4.1: 202,558 of 1,601,182 alleles (13%); highest among the groups gnomAD compares: African/African-American, 71%; 27,966 homozygotes.

Submissions (11):

Labcorp Genetics (formerly Invitae), Labcorp
Classification: Benign. Last evaluated: 2026-02-04. Review status: criteria provided, single submitter. Criteria: Invitae Variant Classification Sherloc (09022015). Collection method: clinical testing. Allele origin: germline.

Genome-Nilou Lab
Classification: Benign for Mitochondrial DNA depletion syndrome 16 (hepatic type). Last evaluated: 2021-10-25. Review status: criteria provided, single submitter. Criteria: ACMG Guidelines, 2015. Collection method: clinical testing. Allele origin: germline. Affected: no.

Genome-Nilou Lab
Classification: Benign for Mitochondrial dna depletion syndrome 16B (neuroophthalmic type). Last evaluated: 2021-10-25. Review status: criteria provided, single submitter. Criteria: ACMG Guidelines, 2015. Collection method: clinical testing. Allele origin: germline. Affected: no.

Genome-Nilou Lab
Classification: Benign for Progressive external ophthalmoplegia with mitochondrial DNA deletions, autosomal dominant 4. Last evaluated: 2021-10-25. Review status: criteria provided, single submitter. Criteria: ACMG Guidelines, 2015. Collection method: clinical testing. Allele origin: germline. Affected: no.

Illumina Laboratory Services, Illumina
Classification: Benign for Progressive external ophthalmoplegia with mitochondrial DNA deletions, autosomal dominant 4. Last evaluated: 2018-01-13. Review status: criteria provided, single submitter. Criteria: ICSL Variant Classification Criteria 13 December 2019. Collection method: clinical testing. Allele origin: germline.
Comment: This variant was observed in the ICSL laboratory as part of a predisposition screen in an ostensibly healthy population. It had not been previously curated by ICSL or reported in the Human Gene Mutation Database (HGMD: prior to June 1st, 2018), and was therefore a candidate for classification through an automated scoring system. Utilizing variant allele frequency, disease prevalence and penetrance estimates, and inheritance mode, an automated score was calculated to assess if this variant is too frequent to cause the disease. Based on the score and internal cut-off values, a variant classified as benign is not then subjected to further curation. The score for this variant resulted in a classification of benign for this disease.

GeneDx
Classification: Benign. Last evaluated: 2011-06-30. Review status: criteria provided, single submitter. Criteria: GeneDx Variant Classification (06012015). Collection method: clinical testing. Allele origin: germline. Affected: yes.
Comment: This variant is considered likely benign or benign based on one or more of the following criteria: it is a conservative change, it occurs at a poorly conserved position in the protein, it is predicted to be benign by multiple in silico algorithms, and/or has population frequency not consistent with disease.

Breakthrough Genomics
Classification: Benign. Review status: criteria provided, single submitter. Criteria: ACMG Guidelines, 2015. Collection method: not provided. Allele origin: germline. Inheritance: Autosomal recessive inheritance. Affected: yes.

PreventionGenetics, part of Exact Sciences
Classification: Benign. Review status: criteria provided, single submitter. Criteria: ACMG Guidelines, 2015. Collection method: clinical testing. Allele origin: germline.

Mayo Clinic Laboratories, Mayo Clinic
Classification: Benign. Last evaluated: 2016-02-22. Review status: no assertion criteria provided. Collection method: clinical testing. Allele origin: unknown. Not counted in ClinVar's aggregate classification.

Diagnostic Laboratory, Department of Genetics, University Medical Center Groningen
Classification: Benign. Review status: no assertion criteria provided. Collection method: clinical testing. Allele origin: germline. Affected: yes. Study: VKGL Data-share Consensus. Not counted in ClinVar's aggregate classification.

Joint Genome Diagnostic Labs from Nijmegen and Maastricht, Radboudumc and MUMC+
Classification: Benign. Review status: no assertion criteria provided. Collection method: clinical testing. Allele origin: germline. Affected: yes. Study: VKGL Data-share Consensus. Not counted in ClinVar's aggregate classification.

NM_007215.4(POLG2):c.505G>A (p.Ala169Thr)

Genes: MILR1 (mast cell immunoglobulin like receptor 1; plus strand), POLG2 (DNA polymerase gamma 2, accessory subunit; minus strand). Cytogenetic location: 17q23.3.
Variant type: single nucleotide variant.
Coding change: c.505G>A on transcript NM_007215.4 (MANE Select); coding-DNA position 505, G replaced by A.
Protein change: p.Ala169Thr; replaces alanine 169 with threonine.
Molecular consequence: missense variant.
Genome position (GRCh38, 1-based): chr17:64,496,464, C>T on the plus strand (G>A on the coding strand, the complement: POLG2 is on the minus strand). VCF-style: chr17-64496464-C-T. GRCh37 (hg19) VCF-style: chr17-62492582-C-T.
Other names: p.A169T:GCA>ACA; short protein forms A169T.
Identifiers: ClinVar variation 138782 (VCV000138782.25), dbSNP rs1427463, ClinGen allele CA292885.
Genomic context (GRCh38, chr17:64,496,464, plus strand): 5'-TACCGTGAAGAAGGTTCTCCCGTAGTTTCCCAGAAGTTTTTAATACGTTCTCAAGAAATG[C>T]TACTAGCTGTTCCTTACTCAGCTCTTTGTCTTGCAAGATTTCGCGTAGAGTTTCTGCAGA-3'
Protein context (NP_009146.2, residues 159-179): DKELSKEQLV[Ala169Thr]FLENVLKTSG